The following is an entry in ClinVar:

NM_001128148.3(TFRC):c.1028A>G (p.Glu343Gly)

Gene: TFRC (transferrin receptor; minus strand). Cytogenetic location: 3q29.
Variant type: single nucleotide variant.
Coding change: c.1028A>G on transcript NM_001128148.3 (MANE Select); coding-DNA position 1028, A replaced by G.
Protein change: p.Glu343Gly; replaces glutamic acid 343 with glycine.
Molecular consequence: missense variant.
Genome position (GRCh38, 1-based): chr3:196,067,530, T>C on the plus strand (A>G on the coding strand, the complement: TFRC is on the minus strand). VCF-style: chr3-196067530-T-C. GRCh37 (hg19) VCF-style: chr3-195794401-T-C.
Other names: c.785A>G, p.Glu262Gly (NM_001313965.2); c.182A>G, p.Glu61Gly (NM_001313966.2); c.1028A>G, p.Glu343Gly (NM_003234.4); short protein forms E262G, E343G, E61G.
Identifiers: ClinVar variation 2909807 (VCV002909807.3), dbSNP rs746338162, ClinGen allele CA2778107.

ClinVar aggregate classification (germline): Uncertain significance (1 of 4 stars; one submission).

Allele frequency attached by ClinVar (database versions not stated): gnomAD exomes 0.00001; TOPMed 0.00001; ExAC 0.00001.
gnomAD v4.1: 21 of 1,613,426 alleles (0.0013%); highest among the groups gnomAD compares: Non-Finnish European, 0.0017%; no homozygotes.

Submission:

Labcorp Genetics (formerly Invitae), Labcorp
Classification: Uncertain significance. Last evaluated: 2025-06-23. Review status: criteria provided, single submitter. Criteria: Invitae Variant Classification Sherloc (09022015). Collection method: clinical testing. Allele origin: germline.
Comment: This sequence change replaces glutamic acid, which is acidic and polar, with glycine, which is neutral and non-polar, at codon 343 of the TFRC protein (p.Glu343Gly). This variant is present in population databases (rs746338162, gnomAD 0.002%). This variant has not been reported in the literature in individuals affected with TFRC-related conditions. ClinVar contains an entry for this variant (Variation ID: 2909807). Invitae Evidence Modeling of protein sequence and biophysical properties (such as structural, functional, and spatial information, amino acid conservation, physicochemical variation, residue mobility, and thermodynamic stability) indicates that this missense variant is not expected to disrupt TFRC protein function with a negative predictive value of 80%. In summary, the available evidence is currently insufficient to determine the role of this variant in disease. Therefore, it has been classified as a Variant of Uncertain Significance.